The following is an entry in ClinVar:

ClinVar aggregate classification (germline): Likely pathogenic (1 of 4 stars; one submission).

Conditions:
Lissencephaly type 1 due to doublecortin gene mutation. Also called: LISSENCEPHALY, X-LINKED, 1; LISSENCEPHALY AND AGENESIS OF CORPUS CALLOSUM. Identifiers: Orphanet 2148, MedGen C4551968, MONDO:0010239, OMIM 300067.

Submission:

Human Genetics Bochum, Ruhr University Bochum
Classification: Likely pathogenic for Lissencephaly type 1 due to doublecortin gene mutation. Last evaluated: 2026-06-05. Review status: criteria provided, single submitter. Criteria: ACMG Guidelines, 2015. Collection method: clinical testing. Allele origin: germline. Affected: yes.
Comment: ACMG criteria used to clasify this variant: PVS1, PM2_SUP

NM_001195553.2(DCX):c.862_869del (p.Pro288fs)

Gene: DCX (doublecortin; minus strand). Cytogenetic location: Xq23.
Variant type: Deletion.
Coding change: c.862_869del on transcript NM_001195553.2 (MANE Select); coding-DNA positions 862 to 869, 8 bases deleted (CCAACACC; older notation c.862_869delCCAACACC).
Protein change: p.Pro288fs; shifts the reading frame from proline 288.
Molecular consequence: frameshift variant.
Genome position (GRCh38, 1-based): chrX:111,330,981-111,330,988, GGTGTTGG deleted on the plus strand (CCAACACC on the coding strand, the reverse complement: DCX is on the minus strand); deleting any 8 consecutive bases within chrX:111,330,981-111,330,990 gives the same sequence; the c. name uses the placement nearest the transcript's 3' end. VCF-style (leftmost placement, unchanged base first): chrX-111330980-AGGTGTTGG-A. GRCh37 (hg19) VCF-style: chrX-110574208-AGGTGTTGG-A.
Other names: c.1105_1112del, p.Pro369fs (NM_000555.3); c.862_869del, p.Pro288fs (NM_001369370.1, NM_001369371.1, NM_001369372.1 and 6 more transcripts); short protein forms P288fs, P369fs.
Identifiers: ClinVar variation 4876775 (VCV004876775.1).